The following is an entry in ClinVar:

ClinVar aggregate classification (germline): Benign/Likely benign. Review status: criteria provided, multiple submitters, no conflicts (2 of 4 stars). 2 submissions from 2 submitters: Benign (1); Likely benign (1). Last evaluated 2025-01-27.

Conditions:
Hereditary nonpolyposis colorectal neoplasms. Identifiers: MedGen C0009405, MeSH D003123.
Lynch syndrome 4 (LYNCH4). Also called: Hereditary non-polyposis colorectal cancer, type 4; Colorectal cancer, hereditary nonpolyposis, type 4. Identifiers: Orphanet 144, MedGen C1838333, MONDO:0013699, OMIM 614337. Disease mechanism: loss of function.

Submissions (2):

Myriad Genetics, Inc.
Classification: Benign for Lynch syndrome 4. Last evaluated: 2025-01-27. Review status: criteria provided, single submitter. Criteria: Myriad Autosomal Dominant, Autosomal Recessive and X-Linked Classification Criteria (2023). Collection method: clinical testing. Allele origin: unknown.
Comment: This variant is considered benign. This variant is intronic and is not expected to impact mRNA splicing.

Labcorp Genetics (formerly Invitae), Labcorp
Classification: Likely benign for Hereditary nonpolyposis colorectal neoplasms. Last evaluated: 2023-12-08. Review status: criteria provided, single submitter. Criteria: Invitae Variant Classification Sherloc (09022015). Collection method: clinical testing. Allele origin: germline.

NM_000535.7(PMS2):c.538-19_538-18del

Gene: PMS2 (PMS1 homolog 2, mismatch repair system component; minus strand). Cytogenetic location: 7p22.1.
Variant type: Microsatellite.
Coding change: c.538-19_538-18del on transcript NM_000535.7 (MANE Select); 19 bases into the intron before coding-DNA position 538 through 18 bases into the intron before coding-DNA position 538, 2 bases deleted (GT; older notation c.538-19_538-18delGT).
Molecular consequence: intron variant.
Genome position (GRCh38, 1-based): chr7:5,999,293-5,999,294, AC deleted on the plus strand (GT on the coding strand, the reverse complement: PMS2 is on the minus strand); deleting any 2 consecutive bases within chr7:5,999,293-5,999,297 gives the same sequence; the c. name uses the placement nearest the transcript's 3' end. VCF-style (leftmost placement, unchanged base first): chr7-5999292-AAC-A. GRCh37 (hg19) VCF-style: chr7-6038923-AAC-A.
Other names: c.220-19_220-18del (NM_001406901.1, NM_001406903.1, NM_001322007.2 and 4 more transcripts); c.229-19_229-18del (NM_001406900.1, NM_001406880.1, NM_001406881.1 and 6 more transcripts); c.133-1871_133-1870del (NM_001406909.1, NM_001322013.2); c.133-19_133-18del (NM_001406907.1, NM_001406892.1, NM_001406888.1 and 21 more transcripts); c.537+3159_537+3160del (NM_001406886.1); c.538-1871_538-1870del (NM_001406884.1, NM_001406874.1); c.-347-68_-347-67del (NM_001322011.2, NM_001322012.2); c.538-19_538-18del (NM_001406869.1, NM_001406873.1, NM_001406912.1 and 5 more transcripts); and 4 more.
Identifiers: ClinVar variation 2747600 (VCV002747600.4), dbSNP rs2536330198, ClinGen allele CA2697557106.
Genomic context (GRCh38, chr7:5,999,292, plus strand): 5'-ATGATACAGTATGCATGTAAGACCTGGACCATTTTGGCATACTCCTGTTTAAAAAACACA[AAC>A]ACAATATTCTACATTACTTTAATATTATAGGAATTACACAGCTCAAGTTACAACATCCAA-3'